The following is an entry in ClinVar:

NM_000642.3(AGL):c.2433+1G>A

Gene: AGL (amylo-alpha-1,6-glucosidase and 4-alpha-glucanotransferase; plus strand). Cytogenetic location: 1p21.2.
Variant type: single nucleotide variant.
Coding change: c.2433+1G>A on transcript NM_000642.3 (MANE Select); the canonical splice donor site of the intron after coding-DNA position 2433, G replaced by A.
Molecular consequence: splice donor variant.
Genome position (GRCh38, 1-based): chr1:99,884,245, G>A. VCF-style: chr1-99884245-G-A. GRCh37 (hg19) VCF-style: chr1-100349801-G-A.
Other names: c.2433+1G>A (NM_000643.3, NM_000644.3, NM_001425326.1 and 2 more transcripts); c.2385+1G>A (NM_000646.3); c.2232+1G>A (NM_001425327.1); c.2229+1G>A (NM_001425328.1, NM_001425329.1); c.2055+1G>A (NM_001425332.1).
Identifiers: ClinVar variation 1177263 (VCV001177263.1), dbSNP rs2100768428, ClinGen allele CA341321008.

ClinVar aggregate classification (germline): Likely pathogenic (1 of 4 stars; one submission).

Conditions:
Glycogen storage disease type III (GSD3). Also called: FORBES DISEASE; Cori disease. Identifiers: Orphanet 366, MedGen C0017922, MONDO:0009291, OMIM 232400.

Submission:

Women's Health and Genetics/Laboratory Corporation of America, LabCorp
Classification: Likely pathogenic for Glycogen storage disease type III. Last evaluated: 2021-07-05. Review status: criteria provided, single submitter. Criteria: LabCorp Variant Classification Summary - May 2015. Collection method: clinical testing. Allele origin: germline.
Comment: Variant summary: AGL c.2433+1G>A is located in a canonical splice-site and is predicted to affect mRNA splicing resulting in a significantly altered protein due to either exon skipping, shortening, or inclusion of intronic material. Several computational tools predict a significant impact on normal splicing: Four predict the variant abolishes the canonical 5' splicing donor site. However, these predictions have yet to be confirmed by functional studies. The variant was absent in 250908 control chromosomes. c.2433+1G>A has been reported in the literature in individuals affected with Glycogen Storage Disease Type III (example, Wang_2009). These data do not allow any conclusion about variant significance. To our knowledge, no experimental evidence demonstrating an impact on protein function has been reported. No clinical diagnostic laboratories have submitted clinical-significance assessments for this variant to ClinVar after 2014. Based on the evidence outlined above, the variant was classified as likely pathogenic.

Literature cited by the submitters: PubMed 19951495.